The following is an entry in ClinVar:

ClinVar aggregate classification (germline): Likely benign. Review status: criteria provided, multiple submitters, no conflicts (2 of 4 stars). 3 submissions from 3 submitters: Likely benign (2). 1 of the submissions does not count toward it. Last evaluated 2025-12-15.

Conditions:
FBXO38-related disorder. Also called: FBXO38-related condition.
Distal hereditary motor neuropathy type 2. Identifiers: Orphanet 139525, MedGen C3711384, MeSH C580044, MONDO:0015352.

Allele frequency attached by ClinVar (database versions not stated): gnomAD 0.00007 and 0.00009; TOPMed 0.00009; ExAC 0.00015; gnomAD exomes 0.00018.

Submissions (3):

Labcorp Genetics (formerly Invitae), Labcorp
Classification: Likely benign for Distal hereditary motor neuropathy type 2. Last evaluated: 2025-12-15. Review status: criteria provided, single submitter. Criteria: Invitae Variant Classification Sherloc (09022015). Collection method: clinical testing. Allele origin: germline.

Blueprint Genetics
Classification: Likely benign. Last evaluated: 2024-09-11. Review status: criteria provided, single submitter. Criteria: ACMG Guidelines, 2015. Collection method: clinical testing. Allele origin: germline.

PreventionGenetics, part of Exact Sciences
Classification: Likely benign for FBXO38-related condition. Last evaluated: 2023-05-10. Review status: no assertion criteria provided. Collection method: clinical testing. Allele origin: germline. Not counted in ClinVar's aggregate classification.
Comment: This variant is classified as likely benign based on ACMG/AMP sequence variant interpretation guidelines (Richards et al. 2015 PMID: 25741868, with internal and published modifications).

NM_205836.3(FBXO38):c.3120G>C (p.Arg1040=)

Gene: FBXO38 (F-box protein 38; plus strand). Cytogenetic location: 5q32.
Variant type: single nucleotide variant.
Coding change: c.3120G>C on transcript NM_205836.3 (MANE Select); coding-DNA position 3120, G replaced by C.
Protein change: p.Arg1040=; no amino-acid change (arginine 1040 retained).
Molecular consequence: synonymous variant.
Genome position (GRCh38, 1-based): chr5:148,439,742, G>C. VCF-style: chr5-148439742-G-C. GRCh37 (hg19) VCF-style: chr5-147819305-G-C.
Other names: c.2385G>C, p.Arg795= (NM_001271723.2); c.2895G>C, p.Arg965= (NM_030793.5).
Identifiers: ClinVar variation 541028 (VCV000541028.16), dbSNP rs770089729, ClinGen allele CA3497670.